The following is an entry in ClinVar:

ClinVar aggregate classification (germline): Conflicting classifications of pathogenicity. Review status: criteria provided, conflicting classifications (1 of 4 stars). 2 submissions from 2 submitters: Uncertain significance (1); Likely benign (1). Last evaluated 2024-03-21.

Conditions:
Cardiovascular phenotype. Identifiers: MedGen CN230736.
Duchenne muscular dystrophy (DMD). Also called: MUSCULAR DYSTROPHY, PSEUDOHYPERTROPHIC PROGRESSIVE, DUCHENNE TYPE; Duchenne Muscular Dystrophy (DMD). Identifiers: Orphanet 98896, MedGen C0013264, MONDO:0010679, OMIM 310200.

Allele frequency attached by ClinVar (database versions not stated): gnomAD exomes below 0.00001; ExAC 0.00001.
gnomAD v4.1: 2 of 1,211,673 alleles (0.00017%); highest among the groups gnomAD compares: Middle Eastern, 0.023%; no homozygotes.

Submissions (2):

Labcorp Genetics (formerly Invitae), Labcorp
Classification: Likely benign for Duchenne muscular dystrophy. Last evaluated: 2024-03-21. Review status: criteria provided, single submitter. Criteria: Invitae Variant Classification Sherloc (09022015). Collection method: clinical testing. Allele origin: germline.

Ambry Genetics
Classification: Uncertain significance for Cardiovascular phenotype. Last evaluated: 2024-02-12. Review status: criteria provided, single submitter. Criteria: Ambry Variant Classification Scheme 2023. Collection method: clinical testing. Allele origin: germline.
Comment: The p.L362S variant (also known as c.1085T>C), located in coding exon 10 of the DMD gene, results from a T to C substitution at nucleotide position 1085. The leucine at codon 362 is replaced by serine, an amino acid with dissimilar properties. Based on data from gnomAD, the C allele has an overall frequency of <0.01% (2/183399) total alleles studied, with 1 hemizygote(s) observed. The highest observed frequency was <0.01% (2/81876) of European (non-Finnish) alleles. This amino acid position is highly conserved in available vertebrate species. In addition, this alteration is predicted to be deleterious by in silico analysis. Based on the available evidence, the clinical significance of this alteration remains unclear.

NM_004006.3(DMD):c.1085T>C (p.Leu362Ser)

Gene: DMD (dystrophin; minus strand). Cytogenetic location: Xp21.1.
Variant type: single nucleotide variant.
Coding change: c.1085T>C on transcript NM_004006.3 (MANE Select); coding-DNA position 1085, T replaced by C.
Protein change: p.Leu362Ser; replaces leucine 362 with serine.
Molecular consequence: missense variant.
Genome position (GRCh38, 1-based): chrX:32,645,028, A>G on the plus strand (T>C on the coding strand, the complement: DMD is on the minus strand). VCF-style: chrX-32645028-A-G. GRCh37 (hg19) VCF-style: chrX-32663145-A-G.
Other names: c.1061T>C, p.Leu354Ser (NM_000109.4); c.1073T>C, p.Leu358Ser (NM_004009.3); c.716T>C, p.Leu239Ser (NM_004010.3); short protein forms L358S, L362S, L239S, L354S.
Identifiers: ClinVar variation 2117461 (VCV002117461.5), dbSNP rs759898408, ClinGen allele CA10379976.